The following is an entry in ClinVar:

NM_015176.4(FBXO28):c.536G>C (p.Arg179Pro)

Gene: FBXO28 (F-box protein 28; plus strand). Cytogenetic location: 1q42.11.
Variant type: single nucleotide variant.
Coding change: c.536G>C on transcript NM_015176.4 (MANE Select); coding-DNA position 536, G replaced by C.
Protein change: p.Arg179Pro; replaces arginine 179 with proline.
Molecular consequence: missense variant. On other transcripts: non-coding transcript variant (1), intron variant (1).
Genome position (GRCh38, 1-based): chr1:224,153,161, G>C. VCF-style: chr1-224153161-G-C. GRCh37 (hg19) VCF-style: chr1-224340863-G-C.
Other names: c.517-4191G>C (NM_001136115.3); short protein forms R179P.
Identifiers: ClinVar variation 4993879 (VCV004993879.1).

ClinVar aggregate classification (germline): Uncertain significance (1 of 4 stars; one submission).

Conditions:
FBXO28-related disorder. Also called: FBXO28-related condition.

gnomAD v4.1: 1 of 1,599,024 alleles (0.000063%); no homozygotes.

Submission:

PreventionGenetics, part of Exact Sciences
Classification: Uncertain significance for FBXO28-related condition. Last evaluated: 2025-11-30. Review status: criteria provided, single submitter. Criteria: ACMG Guidelines, 2015. Collection method: clinical testing. Allele origin: germline.
Comment: The FBXO28 c.536G>C variant is predicted to result in the amino acid substitution p.Arg179Pro. To our knowledge, this variant has not been reported in the literature. This variant is reported in 0.0047% of alleles in individuals of European (Finnish) descent in gnomAD. At this time, the clinical significance of this variant is uncertain due to the absence of conclusive functional and genetic evidence.